The following is an entry in ClinVar:

ClinVar aggregate classification (germline): Uncertain significance. Review status: criteria provided, multiple submitters, no conflicts (2 of 4 stars). 3 submissions from 3 submitters: Uncertain significance (3). Last evaluated 2025-07-08.

Conditions:
Hypertrophic cardiomyopathy 14. Identifiers: MedGen C2750467, MONDO:0013197, OMIM 613251.
Cardiovascular phenotype. Identifiers: MedGen CN230736.

Allele frequency attached by ClinVar (database versions not stated): TOPMed 0.00001.
gnomAD v4.1: 9 of 1,613,966 alleles (0.00056%); highest among the groups gnomAD compares: African/African-American, 0.012%; no homozygotes.

Submissions (3):

ARUP Laboratories, Molecular Genetics and Genomics, ARUP Laboratories
Classification: Uncertain significance. Last evaluated: 2025-07-08. Review status: criteria provided, single submitter. Criteria: ARUP Molecular Germline Variant Investigation Process 2024. Collection method: clinical testing. Allele origin: germline.
Comment: The MYH6 c.4429C>G; p.Arg1477Gly variant (rs201989347), to our knowledge, is not reported in the medical literature but is reported in ClinVar (Variation ID: 1014876). This variant is found in the African/African-American population with an allele frequency of 0.01% (3/24946 alleles) in the Genome Aggregation Database (v2.1.1). Computational analyses predict that this variant is deleterious (REVEL: 0.836). Due to limited information, the clinical significance of this variant is uncertain at this time.

Labcorp Genetics (formerly Invitae), Labcorp
Classification: Uncertain significance for Hypertrophic cardiomyopathy 14. Last evaluated: 2023-08-31. Review status: criteria provided, single submitter. Criteria: Invitae Variant Classification Sherloc (09022015). Collection method: clinical testing. Allele origin: germline.
Comment: This sequence change replaces arginine, which is basic and polar, with glycine, which is neutral and non-polar, at codon 1477 of the MYH6 protein (p.Arg1477Gly). This variant is present in population databases (no rsID available, gnomAD 0.01%). This variant has not been reported in the literature in individuals affected with MYH6-related conditions. ClinVar contains an entry for this variant (Variation ID: 1014876). Advanced modeling of protein sequence and biophysical properties (such as structural, functional, and spatial information, amino acid conservation, physicochemical variation, residue mobility, and thermodynamic stability) performed at Invitae indicates that this missense variant is expected to disrupt MYH6 protein function. In summary, the available evidence is currently insufficient to determine the role of this variant in disease. Therefore, it has been classified as a Variant of Uncertain Significance.

Ambry Genetics
Classification: Uncertain significance for Cardiovascular phenotype. Last evaluated: 2022-03-11. Review status: criteria provided, single submitter. Criteria: Ambry Variant Classification Scheme 2023. Collection method: clinical testing. Allele origin: germline.
Comment: The p.R1477G variant (also known as c.4429C>G), located in coding exon 29 of the MYH6 gene, results from a C to G substitution at nucleotide position 4429. The arginine at codon 1477 is replaced by glycine, an amino acid with dissimilar properties. This amino acid position is highly conserved in available vertebrate species. In addition, this alteration is predicted to be deleterious by in silico analysis. Since supporting evidence is limited at this time, the clinical significance of this alteration remains unclear.

NM_002471.4(MYH6):c.4429C>G (p.Arg1477Gly)

Gene: MYH6 (myosin heavy chain 6; minus strand). Cytogenetic location: 14q11.2.
Variant type: single nucleotide variant.
Coding change: c.4429C>G on transcript NM_002471.4 (MANE Select); coding-DNA position 4429, C replaced by G.
Protein change: p.Arg1477Gly; replaces arginine 1477 with glycine.
Molecular consequence: missense variant.
Genome position (GRCh38, 1-based): chr14:23,387,854, G>C on the plus strand (C>G on the coding strand, the complement: MYH6 is on the minus strand). VCF-style: chr14-23387854-G-C. GRCh37 (hg19) VCF-style: chr14-23857063-G-C.
Other names: short protein forms R1477G.
Identifiers: ClinVar variation 1014876 (VCV001014876.9), dbSNP rs201989347, ClinGen allele CA388997611.